The following is an entry in ClinVar:

ClinVar aggregate classification (germline): Uncertain significance (1 of 4 stars; one submission).

Conditions:
Cowden syndrome (CS). Also called: Cowden's disease; Cowden's syndrome; Cowden disease. Identifiers: Orphanet 201, MedGen C0018553, MONDO:0016063. Disease mechanism: gain of function.

Allele frequency attached by ClinVar (database versions not stated): gnomAD exomes 0.00001 and 0.00002; ExAC 0.00002; gnomAD 0.00003 and 0.00004; TOPMed 0.00003; ESP Exome Variant Server 0.00008.
gnomAD v4.1: 25 of 1,605,458 alleles (0.0016%); highest among the groups gnomAD compares: African/African-American, 0.0027%; no homozygotes.

Submission:

Labcorp Genetics (formerly Invitae), Labcorp
Classification: Uncertain significance for Cowden syndrome. Last evaluated: 2025-11-10. Review status: criteria provided, single submitter. Criteria: Invitae Variant Classification Sherloc (09022015). Collection method: clinical testing. Allele origin: germline.
Comment: This sequence change replaces isoleucine, which is neutral and non-polar, with valine, which is neutral and non-polar, at codon 121 of the PIK3CA protein (p.Ile121Val). This variant is present in population databases (rs371727887, gnomAD 0.006%). This variant has not been reported in the literature in individuals affected with PIK3CA-related conditions. ClinVar contains an entry for this variant (Variation ID: 246688). Invitae Evidence Modeling of protein sequence and biophysical properties (such as structural, functional, and spatial information, amino acid conservation, physicochemical variation, residue mobility, and thermodynamic stability) has been performed for this missense variant. However, the output from this modeling did not meet the statistical confidence thresholds required to predict the impact of this variant on PIK3CA protein function. In summary, the available evidence is currently insufficient to determine the role of this variant in disease. Therefore, it has been classified as a Variant of Uncertain Significance.

NM_006218.4(PIK3CA):c.361A>G (p.Ile121Val)

Gene: PIK3CA (phosphatidylinositol-4,5-bisphosphate 3-kinase catalytic subunit alpha; plus strand). Cytogenetic location: 3q26.32.
Variant type: single nucleotide variant.
Coding change: c.361A>G on transcript NM_006218.4 (MANE Select); coding-DNA position 361, A replaced by G.
Protein change: p.Ile121Val; replaces isoleucine 121 with valine.
Molecular consequence: missense variant.
Genome position (GRCh38, 1-based): chr3:179,199,698, A>G. VCF-style: chr3-179199698-A-G. GRCh37 (hg19) VCF-style: chr3-178917486-A-G.
Other names: c.361A>G (LRG_310t1); short protein forms I121V.
Identifiers: ClinVar variation 246688 (VCV000246688.7), dbSNP rs371727887, ClinGen allele CA2710532.
Genomic context (GRCh38, chr3:179,199,698, plus strand): 5'-TCATGCTGTGTATGTAATAGAATGTTATATTCTTTATGTAATTTTATTAAAGGTTTTGCT[A>G]TCGGCATGCCAGTGTGTGAATTTGATATGGTTAAAGATCCAGAAGTACAGGACTTCCGAA-3'
Protein context (NP_006209.2, residues 111-131): KILNREIGFA[Ile121Val]GMPVCEFDMV